The following is an entry in ClinVar:

ClinVar aggregate classification (germline): Uncertain significance (1 of 4 stars; one submission).

Conditions:
Catecholaminergic polymorphic ventricular tachycardia (CVPT). Also called: Catecholamine-induced polymorphic ventricular tachycardia. Identifiers: Orphanet 3286, MedGen C5574922, MONDO:0017990.

Submission:

All of Us Research Program, National Institutes of Health
Classification: Uncertain significance for Catecholaminergic polymorphic ventricular tachycardia. Last evaluated: 2023-03-23. Review status: criteria provided, single submitter. Criteria: ACMG Guidelines, 2015. Collection method: clinical testing. Allele origin: germline. Inheritance: Autosomal dominant inheritance. Observed: 1 variant allele, 1 heterozygote.
Comment: This missense variant replaces lysine with glutamic acid at codon 4687 of the RYR2 protein. Computational prediction is inconclusive regarding the impact of this variant on protein structure and function (internally defined REVEL score threshold 0.5 < inconclusive < 0.7, PMID: 27666373). To our knowledge, functional studies have not been reported for this variant. This variant has not been reported in individuals affected with RYR2-related disorders in the literature. This variant has not been identified in the general population by the Genome Aggregation Database (gnomAD). The available evidence is insufficient to determine the role of this variant in disease conclusively. Therefore, this variant is classified as a Variant of Uncertain Significance.

This study involves interpretation of variants in research participants for the purpose of population health screening. Participant phenotype was not available at the time of variant classification. Additional details can be found in publication PMID: 35346344, PMCID: PMC8962531

NM_001035.3(RYR2):c.14059A>G (p.Lys4687Glu)

Gene: RYR2 (ryanodine receptor 2; plus strand). Cytogenetic location: 1q43.
Variant type: single nucleotide variant.
Coding change: c.14059A>G on transcript NM_001035.3 (MANE Select); coding-DNA position 14059, A replaced by G.
Protein change: p.Lys4687Glu; replaces lysine 4687 with glutamic acid.
Molecular consequence: missense variant.
Genome position (GRCh38, 1-based): chr1:237,798,139, A>G. VCF-style: chr1-237798139-A-G. GRCh37 (hg19) VCF-style: chr1-237961439-A-G.
Other names: short protein forms K4687E.
Identifiers: ClinVar variation 3069935 (VCV003069935.1), dbSNP rs2528018290, ClinGen allele CA345419960.